The following is an entry in ClinVar:

NM_001289.6(CLIC2):c.26A>C (p.Gln9Pro)

Gene: CLIC2 (CLIC family member 2; minus strand). Cytogenetic location: Xq28.
Variant type: single nucleotide variant.
Coding change: c.26A>C on transcript NM_001289.6 (MANE Select); coding-DNA position 26, A replaced by C.
Protein change: p.Gln9Pro; replaces glutamine 9 with proline.
Molecular consequence: missense variant.
Genome position (GRCh38, 1-based): chrX:155,334,402, T>G on the plus strand (A>C on the coding strand, the complement: CLIC2 is on the minus strand). VCF-style: chrX-155334402-T-G. GRCh37 (hg19) VCF-style: chrX-154563711-T-G.
Other names: short protein forms Q9P.
Identifiers: ClinVar variation 4979826 (VCV004979826.1).

ClinVar aggregate classification (germline): Uncertain significance (1 of 4 stars; one submission).

Conditions:
CLIC2-related disorder. Also called: CLIC2-related condition.

gnomAD v4.1: 2 of 1,210,090 alleles (0.00017%); highest among the groups gnomAD compares: Non-Finnish European, 0.00022%; no homozygotes.

Submission:

PreventionGenetics, part of Exact Sciences
Classification: Uncertain significance for CLIC2-related condition. Last evaluated: 2026-06-04. Review status: criteria provided, single submitter. Criteria: ACMG Guidelines, 2015. Collection method: clinical testing. Allele origin: germline.
Comment: The CLIC2 c.26A>C variant is predicted to result in the amino acid substitution p.Gln9Pro. To our knowledge, this variant has not been reported in the literature. This variant is reported in 0.0012% of alleles in individuals of European (Non-Finnish) descent in gnomAD. At this time, the clinical significance of this variant is uncertain due to the absence of conclusive functional and genetic evidence.